The following is an entry in ClinVar:

NM_021076.4(NEFH):c.598C>A (p.Arg200Ser)

Gene: NEFH (neurofilament heavy chain; plus strand). Cytogenetic location: 22q12.2.
Variant type: single nucleotide variant.
Coding change: c.598C>A on transcript NM_021076.4 (MANE Select); coding-DNA position 598, C replaced by A.
Protein change: p.Arg200Ser; replaces arginine 200 with serine.
Molecular consequence: missense variant.
Genome position (GRCh38, 1-based): chr22:29,480,860, C>A. VCF-style: chr22-29480860-C-A. GRCh37 (hg19) VCF-style: chr22-29876849-C-A.
Other names: short protein forms R200S.
Identifiers: ClinVar variation 2636281 (VCV002636281.1), dbSNP rs2517969147, ClinGen allele CA411123328.

ClinVar aggregate classification (germline): Uncertain significance (1 of 4 stars; one submission).

Conditions:
NEFH-related disorder. Also called: NEFH-related condition.

gnomAD v4.1: 1 of 1,397,112 alleles (0.000072%); no homozygotes.

Submission:

PreventionGenetics, part of Exact Sciences
Classification: Uncertain significance for NEFH-related condition. Last evaluated: 2022-08-30. Review status: criteria provided, single submitter. Criteria: ACMG Guidelines, 2015. Collection method: clinical testing. Allele origin: germline.
Comment: The NEFH c.598C>A variant is predicted to result in the amino acid substitution p.Arg200Ser. To our knowledge, this variant has not been reported in the literature or in a large population database, indicating this variant is rare. At this time, the clinical significance of this variant is uncertain due to the absence of conclusive functional and genetic evidence.